The following is an entry in ClinVar:

NM_016333.4(SRRM2):c.6319G>T (p.Val2107Leu)

Gene: SRRM2 (serine/arginine repetitive matrix 2; plus strand). Cytogenetic location: 16p13.3.
Variant type: single nucleotide variant.
Coding change: c.6319G>T on transcript NM_016333.4 (MANE Select); coding-DNA position 6319, G replaced by T.
Protein change: p.Val2107Leu; replaces valine 2107 with leucine.
Molecular consequence: missense variant.
Genome position (GRCh38, 1-based): chr16:2,766,847, G>T. VCF-style: chr16-2766847-G-T. GRCh37 (hg19) VCF-style: chr16-2816848-G-T.
Other names: short protein forms V2107L.
Identifiers: ClinVar variation 3235738 (VCV003235738.1), dbSNP rs2505613604, ClinGen allele CA394425772.
Genomic context (GRCh38, chr16:2,766,847, plus strand): 5'-CGTTCACGATCTGCTACTCCTCCAGCAACAAGAAATCATTCTGGTTCACGGACACCTCCA[G>T]TAGCACTCAACAGTTCCAGAATGAGCTGCTTCAGTCGTCCTAGCATGTCCCCAACACCTC-3'
Protein context (NP_057417.3, residues 2097-2117): RNHSGSRTPP[Val2107Leu]ALNSSRMSCF

ClinVar aggregate classification (germline): Uncertain significance (1 of 4 stars; one submission).

Submission:

Greenwood Genetic Center Diagnostic Laboratories, Greenwood Genetic Center
Classification: Uncertain significance. Last evaluated: 2024-02-13. Review status: criteria provided, single submitter. Criteria: ACMG Guidelines, 2015. Collection method: clinical testing. Allele origin: germline. Affected: yes.
Comment: PM2, BP4